The following is an entry in ClinVar:

NM_006767.4(LZTR1):c.2404A>T (p.Lys802Ter)

Gene: LZTR1 (leucine zipper like post translational regulator 1; plus strand). Cytogenetic location: 22q11.21.
Variant type: single nucleotide variant.
Coding change: c.2404A>T on transcript NM_006767.4 (MANE Select); coding-DNA position 2404, A replaced by T.
Protein change: p.Lys802Ter; replaces lysine 802 with a stop codon.
Molecular consequence: nonsense.
Genome position (GRCh38, 1-based): chr22:20,996,964, A>T. VCF-style: chr22-20996964-A-T. GRCh37 (hg19) VCF-style: chr22-21351253-A-T.
Other names: short protein forms K802*.
Identifiers: ClinVar variation 4615629 (VCV004615629.1).

ClinVar aggregate classification (germline): Uncertain significance (1 of 4 stars; one submission).

Conditions:
Cardiovascular phenotype. Identifiers: MedGen CN230736.
Hereditary cancer-predisposing syndrome. Also called: Neoplastic Syndromes, Hereditary; Tumor predisposition; Hereditary Cancer Syndrome; Hereditary neoplastic syndrome. Identifiers: Orphanet 140162, MedGen C0027672, MeSH D009386, MONDO:0015356.

gnomAD v4.1: 3 of 1,613,662 alleles (0.00019%); highest among the groups gnomAD compares: Non-Finnish European, 0.00025%; no homozygotes.

Submission:

Ambry Genetics
Classification: Uncertain significance for Cardiovascular phenotype; Hereditary cancer-predisposing syndrome. Last evaluated: 2025-10-27. Review status: criteria provided, single submitter. Criteria: Ambry Variant Classification Scheme 2023. Collection method: clinical testing. Allele origin: germline.
Comment: The p.K802* variant (also known as c.2404A>T), located in coding exon 20 of the LZTR1 gene, results from an A to T substitution at nucleotide position 2404. This changes the amino acid from a lysine to a stop codon within coding exon 20. This alteration occurs at the 3' terminus of the gene, is not expected to trigger nonsense-mediated mRNAdecay, and impacts the last 39 AA of the protein. The exact functional effect of this alteration is unknown. In silico splice site analysis predicts that this alteration may weaken the native splice donor site; however, direct evidence is insufficient at this time (Ambry internal data). Based on the available evidence, the clinical significance of this variant remains unclear.